The following is an entry in ClinVar:

NM_001194998.2(CEP152):c.1087G>A (p.Val363Ile)

Gene: CEP152 (centrosomal protein 152; minus strand). Cytogenetic location: 15q21.1.
Variant type: single nucleotide variant.
Coding change: c.1087G>A on transcript NM_001194998.2 (MANE Select); coding-DNA position 1087, G replaced by A.
Protein change: p.Val363Ile; replaces valine 363 with isoleucine.
Molecular consequence: missense variant.
Genome position (GRCh38, 1-based): chr15:48,788,887, C>T on the plus strand (G>A on the coding strand, the complement: CEP152 is on the minus strand). VCF-style: chr15-48788887-C-T. GRCh37 (hg19) VCF-style: chr15-49081084-C-T.
Other names: c.1087G>A (NM_014985.3); c.1087G>A, p.Val363Ile (NM_014985.4); short protein forms V363I.
Identifiers: ClinVar variation 1491419 (VCV001491419.8), dbSNP rs1311099765, ClinGen allele CA392355288.

ClinVar aggregate classification (germline): Uncertain significance. Review status: criteria provided, multiple submitters, no conflicts (2 of 4 stars). 3 submissions from 3 submitters: Uncertain significance (3). Last evaluated 2025-02-24.

Allele frequency attached by ClinVar (database versions not stated): TOPMed below 0.00001.

Submissions (3):

Labcorp Genetics (formerly Invitae), Labcorp
Classification: Uncertain significance. Last evaluated: 2025-02-24. Review status: criteria provided, single submitter. Criteria: Invitae Variant Classification Sherloc (09022015). Collection method: clinical testing. Allele origin: germline.
Comment: This sequence change replaces valine, which is neutral and non-polar, with isoleucine, which is neutral and non-polar, at codon 363 of the CEP152 protein (p.Val363Ile). This variant is not present in population databases (gnomAD no frequency). This variant has not been reported in the literature in individuals affected with CEP152-related conditions. ClinVar contains an entry for this variant (Variation ID: 1491419). Invitae Evidence Modeling of protein sequence and biophysical properties (such as structural, functional, and spatial information, amino acid conservation, physicochemical variation, residue mobility, and thermodynamic stability) has been performed for this missense variant. However, the output from this modeling did not meet the statistical confidence thresholds required to predict the impact of this variant on CEP152 protein function. In summary, the available evidence is currently insufficient to determine the role of this variant in disease. Therefore, it has been classified as a Variant of Uncertain Significance.

GeneDx
Classification: Uncertain significance. Last evaluated: 2024-03-31. Review status: criteria provided, single submitter. Criteria: GeneDx Variant Classification Process June 2021. Collection method: clinical testing. Allele origin: germline. Affected: yes.
Comment: Not observed at significant frequency in large population cohorts (gnomAD); In silico analysis supports that this missense variant does not alter protein structure/function; Has not been previously published as pathogenic or benign to our knowledge

Breakthrough Genomics
Classification: Uncertain significance. Review status: criteria provided, single submitter. Criteria: ACMG Guidelines, 2015. Collection method: not provided. Allele origin: germline. Inheritance: Autosomal recessive inheritance. Affected: yes.